The following is an entry in ClinVar:

NM_005094.4(SLC27A4):c.986C>T (p.Thr329Met)

Gene: SLC27A4 (solute carrier family 27 member 4; plus strand). Cytogenetic location: 9q34.11.
Variant type: single nucleotide variant.
Coding change: c.986C>T on transcript NM_005094.4 (MANE Select); coding-DNA position 986, C replaced by T.
Protein change: p.Thr329Met; replaces threonine 329 with methionine.
Molecular consequence: missense variant.
Genome position (GRCh38, 1-based): chr9:128,352,746, C>T. VCF-style: chr9-128352746-C-T. GRCh37 (hg19) VCF-style: chr9-131115025-C-T.
Other names: c.986C>T (NM_005094.3); short protein forms T329M.
Identifiers: ClinVar variation 1368194 (VCV001368194.8), dbSNP rs760194495, ClinGen allele CA5261133.
Genomic context (GRCh38, chr9:128,352,746, plus strand): 5'-TGATTCGGAAGAAGTTCTCAGCCTCCCGGTTCTGGGACGATTGTATCAAGTACAACTGCA[C>T]GGTGAGCGAGAGCGGGAAGGGTGAGCTGTCCCTTTCCCCTAGTTACCCTCTTCCCAACTA-3'
Protein context (NP_005085.2, residues 319-339): FWDDCIKYNC[Thr329Met]IVQYIGELCR

ClinVar aggregate classification (germline): Conflicting classifications of pathogenicity. Review status: criteria provided, conflicting classifications (1 of 4 stars). 3 submissions from 3 submitters: Likely pathogenic (2); Uncertain significance (1). Last evaluated 2025-04-10.

Conditions:
Ichthyosis prematurity syndrome (IPS). Also called: ICHTHYOSIS CONGENITA IV. Identifiers: Orphanet 88621, MedGen C1837610, MONDO:0012089, OMIM 608649.

Allele frequency attached by ClinVar (database versions not stated): gnomAD exomes below 0.00001 and 0.00001; ExAC 0.00001.

Submissions (3):

GeneDx
Classification: Likely pathogenic. Last evaluated: 2025-04-10. Review status: criteria provided, single submitter. Criteria: GeneDx Variant Classification Process June 2021. Collection method: clinical testing. Allele origin: germline. Affected: yes.
Comment: Not observed at significant frequency in large population cohorts (gnomAD); In silico analysis supports that this missense variant has a deleterious effect on protein structure/function; This variant is associated with the following publications: (PMID: 21856041, 39865317)

Victorian Clinical Genetics Services, Murdoch Childrens Research Institute
Classification: Likely pathogenic for Ichthyosis prematurity syndrome. Last evaluated: 2023-07-17. Review status: criteria provided, single submitter. Criteria: ACMG Guidelines, 2015. Collection method: clinical testing. Allele origin: germline. Inheritance: Autosomal recessive inheritance. Affected: yes.
Comment: Based on the classification scheme VCGS_Germline_v1.3.4, this variant is classified as Likely pathogenic. Following criteria are met: 0102 - Loss of function is a known mechanism of disease in this gene and is associated with ichthyosis prematurity syndrome (MIM#608649). (I) 0106 - This gene is associated with autosomal recessive disease. (I) 0200 - Variant is predicted to result in a missense amino acid change from threonine to methionine. (I) 0251 - This variant is heterozygous. (I) 0304 - Variant is present in gnomAD <0.01 for a recessive condition (v2: 1 heterozygote, 0 homozygotes). (SP) 0309 - An alternative amino acid change at the same position has been observed in gnomAD (v3) (1 heterozygote, 0 homozygotes). (I) 0502 - Missense variant with conflicting in silico predictions and uninformative conservation. (I) 0600 - Variant is located in the annotated AMP-binding domain (DECIPHER). (I) 0705 - No comparable missense variants have previous evidence for pathogenicity. (I) 0803 - This variant has limited previous evidence of pathogenicity in unrelated individual. It has been reported in one homozygous individual (PMID: 21856041) and in one compound heterozygous individual (ClinVar, personal communication with Invitae) with congenital ichthyosis. (SP) 0905 - No published segregation evidence has been identified for this variant. (I) 1007 - No published functional evidence has been identified for this variant. (I) 1102 - Strong phenotype match for this individual. (SP) 1201 - Heterozygous variant detected in trans with a second pathogenic heterozygous variant (NM_005094.3(SLC27A4):c.871_877+19del) in a recessive disease. (I) Legend: (SP) - Supporting pathogenic, (I) - Information, (SB) - Supporting benign

Labcorp Genetics (formerly Invitae), Labcorp
Classification: Uncertain significance. Last evaluated: 2023-07-12. Review status: criteria provided, single submitter. Criteria: Invitae Variant Classification Sherloc (09022015). Collection method: clinical testing. Allele origin: germline.
Comment: In summary, the available evidence is currently insufficient to determine the role of this variant in disease. Therefore, it has been classified as a Variant of Uncertain Significance. An algorithm developed to predict the effect of missense changes on protein structure and function (PolyPhen-2) suggests that this variant is likely to be disruptive. ClinVar contains an entry for this variant (Variation ID: 1368194). This missense change has been observed in individual(s) with ichthyosis prematurity syndrome (PMID: 21856041). This variant is present in population databases (rs760194495, gnomAD 0.0009%). This sequence change replaces threonine, which is neutral and polar, with methionine, which is neutral and non-polar, at codon 329 of the SLC27A4 protein (p.Thr329Met).

Literature cited by the submitters: PubMed 21856041 (cited by Victorian Clinical Genetics Services, Murdoch Childrens Research Institute and Labcorp Genetics (formerly Invitae), Labcorp).